The following is an entry in ClinVar:

NM_003839.4(TNFRSF11A):c.1161C>A (p.Ser387Arg)

Gene: TNFRSF11A (TNF receptor superfamily member 11a; plus strand). Cytogenetic location: 18q21.33.
Variant type: single nucleotide variant.
Coding change: c.1161C>A on transcript NM_003839.4 (MANE Select); coding-DNA position 1161, C replaced by A.
Protein change: p.Ser387Arg; replaces serine 387 with arginine.
Molecular consequence: missense variant. On other transcripts: intron variant (3).
Genome position (GRCh38, 1-based): chr18:62,369,078, C>A. VCF-style: chr18-62369078-C-A. GRCh37 (hg19) VCF-style: chr18-60036311-C-A.
Other names: c.1119C>A, p.Ser373Arg (NM_001278268.2); c.783+2318C>A (NM_001270949.2); c.730+7285C>A (NM_001270950.2); c.616+9029C>A (NM_001270951.2); short protein forms S387R, S373R.
Identifiers: ClinVar variation 1369616 (VCV001369616.8), dbSNP rs1910315228, ClinGen allele CA402617362.

ClinVar aggregate classification (germline): Uncertain significance (1 of 4 stars; one submission).

Allele frequency attached by ClinVar (database versions not stated): gnomAD exomes below 0.00001; TOPMed below 0.00001.
gnomAD v4.1: 1 of 1,614,104 alleles (0.000062%); highest among the groups gnomAD compares: African/African-American, 0.0013%; no homozygotes.

Submission:

Labcorp Genetics (formerly Invitae), Labcorp
Classification: Uncertain significance. Last evaluated: 2021-07-25. Review status: criteria provided, single submitter. Criteria: Invitae Variant Classification Sherloc (09022015). Collection method: clinical testing. Allele origin: germline.
Comment: Algorithms developed to predict the effect of missense changes on protein structure and function are either unavailable or do not agree on the potential impact of this missense change (SIFT: "Tolerated"; PolyPhen-2: "Probably Damaging"; Align-GVGD: "Class C0"). This variant has not been reported in the literature in individuals affected with TNFRSF11A-related conditions. This variant is not present in population databases (ExAC no frequency). This sequence change replaces serine with arginine at codon 387 of the TNFRSF11A protein (p.Ser387Arg). The serine residue is moderately conserved and there is a moderate physicochemical difference between serine and arginine. In summary, the available evidence is currently insufficient to determine the role of this variant in disease. Therefore, it has been classified as a Variant of Uncertain Significance.